The following is an entry in ClinVar:

ClinVar aggregate classification (germline): Uncertain significance (1 of 4 stars; one submission).

Conditions:
Nemaline myopathy 2 (NEM2). Also called: Nemaline myopathy 2, autosomal recessive. Identifiers: MedGen C1850569, MONDO:0009725, OMIM 256030.

Allele frequency attached by ClinVar (database versions not stated): gnomAD exomes below 0.00001; gnomAD 0.00001; TOPMed 0.00001.
gnomAD v4.1: 3 of 1,582,434 alleles (0.00019%); highest among the groups gnomAD compares: Non-Finnish European, 0.00026%; no homozygotes.

Submission:

Labcorp Genetics (formerly Invitae), Labcorp
Classification: Uncertain significance for Nemaline myopathy 2. Last evaluated: 2021-04-13. Review status: criteria provided, single submitter. Criteria: Invitae Variant Classification Sherloc (09022015). Collection method: clinical testing. Allele origin: germline.
Comment: This sequence change replaces lysine with glutamic acid at codon 562 of the NEB protein (p.Lys562Glu). The lysine residue is moderately conserved and there is a small physicochemical difference between lysine and glutamic acid. This variant is not present in population databases (ExAC no frequency). This variant has not been reported in the literature in individuals with NEB-related conditions. Algorithms developed to predict the effect of missense changes on protein structure and function are either unavailable or do not agree on the potential impact of this missense change (SIFT: "Deleterious"; PolyPhen-2: "Not Available"; Align-GVGD: "Class C0"). In summary, the available evidence is currently insufficient to determine the role of this variant in disease. Therefore, it has been classified as a Variant of Uncertain Significance.

NM_001164508.2(NEB):c.1684A>G (p.Lys562Glu)

Gene: NEB (nebulin; minus strand). Cytogenetic location: 2q23.3.
Variant type: single nucleotide variant.
Coding change: c.1684A>G on transcript NM_001164508.2 (MANE Select); coding-DNA position 1684, A replaced by G.
Protein change: p.Lys562Glu; replaces lysine 562 with glutamic acid.
Molecular consequence: missense variant.
Genome position (GRCh38, 1-based): chr2:151,694,620, T>C on the plus strand (A>G on the coding strand, the complement: NEB is on the minus strand). VCF-style: chr2-151694620-T-C. GRCh37 (hg19) VCF-style: chr2-152551134-T-C.
Other names: c.1684A>G, p.Lys562Glu (NM_001164507.2, NM_001271208.2, NM_004543.5); short protein forms K562E.
Identifiers: ClinVar variation 1943571 (VCV001943571.2), dbSNP rs765974715, ClinGen allele CA57674901.